The following is an entry in ClinVar:

NM_001963.6(EGF):c.3454_3468del (p.Ser1152_Ser1156del)

Gene: EGF (epidermal growth factor; plus strand). Cytogenetic location: 4q25.
Variant type: Deletion.
Coding change: c.3454_3468del on transcript NM_001963.6 (MANE Select); coding-DNA positions 3454 to 3468, 15 bases deleted (AGTGATAAGGGCTCC).
Protein change: p.Ser1152_Ser1156del.
Molecular consequence: inframe deletion.
Genome position (GRCh38, 1-based): chr4:110,011,285-110,011,299, AGTGATAAGGGCTCC deleted; deleting any 15 consecutive bases within chr4:110,011,282-110,011,299 gives the same sequence; the c. name uses the placement nearest the transcript's 3' end. VCF-style (leftmost placement, unchanged base first): chr4-110011281-ATCCAGTGATAAGGGC-A. GRCh37 (hg19) VCF-style: chr4-110932437-ATCCAGTGATAAGGGC-A.
Other names: c.3331_3345del, p.Ser1111_Ser1115del (NM_001178130.3); c.3328_3342del, p.Ser1110_Ser1114del (NM_001178131.3); c.3006_3020del, p.Ile1004_Val1008del (NM_001357021.2).
Identifiers: ClinVar variation 591335 (VCV000591335.2), dbSNP rs754929911, ClinGen allele CA3044284.
Genomic context (GRCh38, chr4:110,011,281, plus strand): 5'-ATGGAGGCAGGAGCCCCAGTTATGTGGAATGGGCACAGAGCAAGGCTGCTGGATTCCAGT[ATCCAGTGATAAGGGC>A]TCCTGTCCCCAGGTAATGGAGCGAAGCTTTCATATGCCCTCCTATGGGACACAGACCCTT-3'

ClinVar aggregate classification (germline): Uncertain significance. Review status: criteria provided, single submitter (1 of 4 stars). 2 submissions from 2 submitters: Uncertain significance (1). 1 of the submissions does not count toward it. Last evaluated 2025-09-16.

Submissions (2):

Labcorp Genetics (formerly Invitae), Labcorp
Classification: Uncertain significance. Last evaluated: 2025-09-16. Review status: criteria provided, single submitter. Criteria: Invitae Variant Classification Sherloc (09022015). Collection method: clinical testing. Allele origin: germline.
Comment: This variant, c.3454_3468del, results in the deletion of 5 amino acid(s) of the EGF protein (p.Ser1152_Ser1156del), but otherwise preserves the integrity of the reading frame. This variant is not present in population databases (gnomAD no frequency). This variant has not been reported in the literature in individuals affected with EGF-related conditions. ClinVar contains an entry for this variant (Variation ID: 591335). Experimental studies and prediction algorithms are not available or were not evaluated, and the functional significance of this variant is currently unknown. In summary, the available evidence is currently insufficient to determine the role of this variant in disease. Therefore, it has been classified as a Variant of Uncertain Significance.

Gharavi Laboratory, Columbia University
Classification: Uncertain significance. Last evaluated: 2018-09-16. Review status: no assertion criteria provided. Criteria: ACMG Guidelines, 2015. Collection method: research. Allele origin: germline. Affected: yes. Not counted in ClinVar's aggregate classification.